The following is an entry in ClinVar:

NM_006005.3(WFS1):c.1321G>A (p.Val441Met)

Gene: WFS1 (wolframin ER transmembrane glycoprotein; plus strand). Cytogenetic location: 4p16.1.
Variant type: single nucleotide variant.
Coding change: c.1321G>A on transcript NM_006005.3 (MANE Select); coding-DNA position 1321, G replaced by A.
Protein change: p.Val441Met; replaces valine 441 with methionine.
Molecular consequence: missense variant.
Genome position (GRCh38, 1-based): chr4:6,301,116, G>A. VCF-style: chr4-6301116-G-A. GRCh37 (hg19) VCF-style: chr4-6302843-G-A.
Other names: c.1321G>A, p.Val441Met (NM_001145853.1); short protein forms V441M.
Identifiers: ClinVar variation 178591 (VCV000178591.20), dbSNP rs150894674, ClinGen allele CA182618.
Genomic context (GRCh38, chr4:6,301,116, plus strand): 5'-ATCGCCAGCAAGGACTGCATCCCCTGCTCGGAGCTGGCTGTCATCACCGGCTTCTTTACC[G>A]TGACCAGCTACCTGAGCCTGAGCACCCATGCAGAGCCCTACACGCGCAGGGCCCTGGCCA-3'
Protein context (NP_005996.2, residues 431-451): ELAVITGFFT[Val441Met]TSYLSLSTHA

ClinVar aggregate classification (germline): Benign/Likely benign. Review status: criteria provided, multiple submitters, no conflicts (2 of 4 stars). 6 submissions from 6 submitters: Benign (1); Likely benign (4). 1 of the submissions does not count toward it. Last evaluated 2026-01-16.

Conditions:
Wolfram syndrome 1 (WFS1). Identifiers: Orphanet 3463, MedGen C4551693, MONDO:0009101, OMIM 222300.
WFS1-related disorder. Identifiers: MedGen CN379391, MONDO:0700293.

Allele frequency attached by ClinVar (database versions not stated): gnomAD exomes 0.00008 and 0.00026; ExAC 0.00029; gnomAD 0.00086 and 0.00094; TOPMed 0.00091; ESP Exome Variant Server 0.00100; 1000 Genomes Project 30x 0.00109; 1000 Genomes Project 0.00140.
gnomAD v4.1: 260 of 1,613,556 alleles (0.016%); highest among the groups gnomAD compares: African/African-American, 0.28%; no homozygotes.

Submissions (6):

Labcorp Genetics (formerly Invitae), Labcorp
Classification: Benign. Last evaluated: 2026-01-16. Review status: criteria provided, single submitter. Criteria: Invitae Variant Classification Sherloc (09022015). Collection method: clinical testing. Allele origin: germline.

Blueprint Genetics
Classification: Likely benign. Last evaluated: 2024-08-28. Review status: criteria provided, single submitter. Criteria: ACMG Guidelines, 2015. Collection method: clinical testing. Allele origin: germline.

GeneDx
Classification: Likely benign. Last evaluated: 2020-02-18. Review status: criteria provided, single submitter. Criteria: GeneDx Variant Classification Process June 2021. Collection method: clinical testing. Allele origin: germline. Affected: yes.
Comment: This variant is associated with the following publications: (PMID: 11244483)

Laboratory for Molecular Medicine, Mass General Brigham Personalized Medicine
Classification: Likely benign. Last evaluated: 2012-04-30. Review status: criteria provided, single submitter. Criteria: LMM Criteria. Collection method: clinical testing. Allele origin: germline. Observed: 1 variant allele.
Comment: Val441Met in Exon 08 of WFS1: This variant is not expected to have clinical sign ificance because it has been identified in 0.4% (14/3738) of African American ch romosomes from a broad population by the NHLBI Exome Sequencing Project (dbSNP rs150894674).

Clinical Genomics, Uppaluri K&H Personalized Medicine Clinic
Classification: Likely benign for Wolfram syndrome 1. Review status: criteria provided, single submitter. Criteria: K & H Uppaluri Personalized Medicine Clinic Variant Classification & Assertion Criteria_Updated V.1. Collection method: research. Allele origin: unknown. Inheritance: Autosomal recessive inheritance.
Comment: Potent mutations in WFS1 gene are associated with Wolfram's syndrome, an autosomal recessive condition, which cause diabetes mellitus, diabetes insipidus, deafness and optic atrophy. However no sufficient evidence is found to ascertain the role of this particular variant rs150894674 in Wolfram's syndrome yet.

PreventionGenetics, part of Exact Sciences
Classification: Likely benign for WFS1-related condition. Last evaluated: 2022-12-01. Review status: no assertion criteria provided. Collection method: clinical testing. Allele origin: germline. Not counted in ClinVar's aggregate classification.
Comment: This variant is classified as likely benign based on ACMG/AMP sequence variant interpretation guidelines (Richards et al. 2015 PMID: 25741868, with internal and published modifications).

Literature cited by the submitters: PubMed 20738327 (cited by Clinical Genomics, Uppaluri K&H Personalized Medicine Clinic); PubMed 33879153 (cited by Clinical Genomics, Uppaluri K&H Personalized Medicine Clinic); PubMed 12955714 (cited by Clinical Genomics, Uppaluri K&H Personalized Medicine Clinic); PubMed 18060660 (cited by Clinical Genomics, Uppaluri K&H Personalized Medicine Clinic); PubMed 20301750 (cited by Clinical Genomics, Uppaluri K&H Personalized Medicine Clinic); PubMed 17603484 (cited by Clinical Genomics, Uppaluri K&H Personalized Medicine Clinic).